The following is an entry in ClinVar:

ClinVar aggregate classification (germline): Pathogenic. Review status: reviewed by expert panel (3 of 4 stars). 3 submissions from 3 submitters: Pathogenic (1). 2 of the submissions do not count toward it. Last evaluated 2017-12-15.

Conditions:
Breast neoplasm. Also called: Breast Neoplasms; Neoplasm of breast; Breast tumor; Neoplasm of the breast. Identifiers: MedGen C1458155, MeSH D001943, MONDO:0021100, HP:0100013. Disease mechanism: gain of function.
Hereditary cancer-predisposing syndrome. Also called: Tumor predisposition; Neoplastic Syndromes, Hereditary; Hereditary Cancer Syndrome; Hereditary neoplastic syndrome. Identifiers: Orphanet 140162, MedGen C0027672, MeSH D009386, MONDO:0015356.
Breast-ovarian cancer, familial, susceptibility to, 2 (BROVCA2). Also called: BRCA2 Hereditary Breast and Ovarian Cancer. Identifiers: Orphanet 145, MedGen C2675520, MONDO:0012933, OMIM 612555. Disease mechanism: loss of function.

Submissions (3):

Evidence-based Network for the Interpretation of Germline Mutant Alleles (ENIGMA)
Classification: Pathogenic for Breast-ovarian cancer, familial, susceptibility to, 2. Last evaluated: 2017-12-15. Review status: reviewed by expert panel. Criteria: ENIGMA BRCA1/2 Classification Criteria (2017-06-29). Collection method: curation. Allele origin: germline. Study: ENIGMA.
Comment: Variant allele predicted to encode a truncated non-functional protein.

Ambry Genetics
Classification: Pathogenic for Hereditary cancer-predisposing syndrome. Last evaluated: 2026-07-13. Review status: criteria provided, single submitter. Criteria: Ambry Variant Classification Scheme 2023. Collection method: clinical testing. Allele origin: germline. Not counted in ClinVar's aggregate classification.
Comment: The c.9753delG pathogenic mutation, located in coding exon 26 of the BRCA2 gene, results from a deletion of one nucleotide at nucleotide position 9753, causing a translational frameshift with a predicted alternate stop codon (p.K3251Nfs*24). This variant occurs at the 3' terminus of the gene, is not expected to trigger nonsense-mediated mRNA decay, and impacts the last 4.9% of the protein. However, premature stop codons are typically deleterious in nature and the impacted region is critical for protein function (Ambry internal data). This variant is considered to be rare based on population cohorts in the Genome Aggregation Database (gnomAD). Based on the supporting evidence, this variant is interpreted as a disease-causing mutation.

Laboratory of Molecular Diagnosis of Cancer, West China Hospital, Sichuan University
Classification: Pathogenic for Breast neoplasm. Last evaluated: 2015-11-01. Review status: criteria provided, single submitter. Criteria: ACMG Guidelines, 2015. Collection method: research. Allele origin: germline. Affected: yes. Observed: 1 variant allele. Not counted in ClinVar's aggregate classification.

Literature cited by the submitters: PubMed 27257965 (cited by Laboratory of Molecular Diagnosis of Cancer, West China Hospital, Sichuan University).

NM_000059.4(BRCA2):c.9753del (p.Lys3251fs)

Gene: BRCA2 (BRCA2 DNA repair associated; plus strand). Cytogenetic location: 13q13.1.
Variant type: Deletion.
Coding change: c.9753del on transcript NM_000059.4 (MANE Select); coding-DNA position 9753, one base deleted (G; older notation c.9753delG).
Protein change: p.Lys3251fs; shifts the reading frame from lysine 3251.
Molecular consequence: frameshift variant.
Genome position (GRCh38, 1-based): chr13:32,398,266, G deleted. VCF-style (leftmost placement, unchanged base first): chr13-32398265-AG-A. GRCh37 (hg19) VCF-style: chr13-32972402-AG-A.
Other names: c.9753delG (NM_000059.3).
Identifiers: ClinVar variation 224449 (VCV000224449.4), dbSNP rs886037805, ClinGen allele CA10575936.